The following is an entry in ClinVar:

ClinVar aggregate classification (germline): Uncertain significance (1 of 4 stars; one submission).

Conditions:
Infantile-onset ascending hereditary spastic paralysis (IAHSP). Also called: Infantile-Onset Ascending Hereditary Spastic Paralysis (IAHSP); Autosomal Recessive Juvenile Amyotrophic Lateral Sclerosis. Identifiers: Orphanet 293168, MedGen C2931441, MONDO:0011797, OMIM 607225. Disease mechanism: loss of function.

Allele frequency attached by ClinVar (database versions not stated): gnomAD exomes 0.00001.
gnomAD v4.1: 20 of 1,614,096 alleles (0.0012%); highest among the groups gnomAD compares: Non-Finnish European, 0.0015%; no homozygotes.

Submission:

Labcorp Genetics (formerly Invitae), Labcorp
Classification: Uncertain significance for Infantile-onset ascending hereditary spastic paralysis. Last evaluated: 2022-05-23. Review status: criteria provided, single submitter. Criteria: Invitae Variant Classification Sherloc (09022015). Collection method: clinical testing. Allele origin: germline.
Comment: In summary, the available evidence is currently insufficient to determine the role of this variant in disease. Therefore, it has been classified as a Variant of Uncertain Significance. Algorithms developed to predict the effect of missense changes on protein structure and function (SIFT, PolyPhen-2, Align-GVGD) all suggest that this variant is likely to be tolerated. This variant has not been reported in the literature in individuals affected with ALS2-related conditions. This variant is not present in population databases (gnomAD no frequency). This sequence change replaces glutamine, which is neutral and polar, with arginine, which is basic and polar, at codon 218 of the ALS2 protein (p.Gln218Arg).

NM_020919.4(ALS2):c.653A>G (p.Gln218Arg)

Gene: ALS2 (alsin Rho guanine nucleotide exchange factor ALS2; minus strand). Cytogenetic location: 2q33.1.
Variant type: single nucleotide variant.
Coding change: c.653A>G on transcript NM_020919.4 (MANE Select); coding-DNA position 653, A replaced by G.
Protein change: p.Gln218Arg; replaces glutamine 218 with arginine.
Molecular consequence: missense variant.
Genome position (GRCh38, 1-based): chr2:201,761,341, T>C on the plus strand (A>G on the coding strand, the complement: ALS2 is on the minus strand). VCF-style: chr2-201761341-T-C. GRCh37 (hg19) VCF-style: chr2-202626064-T-C.
Other names: c.653A>G, p.Gln218Arg (NM_001135745.2, NM_001410975.1); short protein forms Q218R.
Identifiers: ClinVar variation 2418062 (VCV002418062.5), dbSNP rs2469916048, ClinGen allele CA350328394.